The following is an entry in ClinVar:

ClinVar aggregate classification (germline): Conflicting classifications of pathogenicity. Review status: criteria provided, conflicting classifications (1 of 4 stars). 9 submissions from 9 submitters: Uncertain significance (7); Likely benign (1). 1 of the submissions does not count toward it. Last evaluated 2025-12-10.

Conditions:
Familial thoracic aortic aneurysm and aortic dissection (TAAD). Also called: Thoracic aortic aneurysms and dissections. Identifiers: Orphanet 91387, MedGen C4707243, MONDO:0019625.
Marfan syndrome (MFS). Also called: MARFAN SYNDROME, TYPE I; Marfan syndrome type 1; Marfan's syndrome; Marfan syndrome, classic; FBN1-Related Marfan Syndrome. Identifiers: Orphanet 284963, Orphanet 558, MedGen C0024796, MONDO:0007947, OMIM 154700.
Ectopia lentis 1, isolated, autosomal dominant (ECTOL1). Identifiers: Orphanet 1885, MedGen C3541518, MONDO:0007514, OMIM 129600.
MASS syndrome (OCTD). Also called: MASS PHENOTYPE; OVERLAP CONNECTIVE TISSUE DISEASE. Identifiers: MedGen C1858556, MONDO:0011431, OMIM 604308.
Weill-Marchesani syndrome 2, dominant. Also called: Weill-Marchesani Syndrome, Autosomal Dominant; FBN1-Related Weill-Marchesani Syndrome. Identifiers: Orphanet 2084, MedGen C1869115, MONDO:0012013, OMIM 608328.
Acromicric dysplasia (ACMICD). Also called: Acromicric skeletal dysplasia. Identifiers: Orphanet 969, MedGen C0265287, MONDO:0007055, OMIM 102370.
Geleophysic dysplasia 2 (GPHYSD2). Identifiers: Orphanet 2623, MedGen C3280054, MONDO:0013612, OMIM 614185.
Stiff skin syndrome (SSKS). Identifiers: Orphanet 2833, MedGen C1861456, MONDO:0008492, OMIM 184900.
Progeroid and marfanoid aspect-lipodystrophy syndrome. Also called: MARFANOID-PROGEROID SYNDROME; MARFAN-PROGEROID-LIPODYSTROPHY SYNDROME; Marfan lipodystrophy syndrome; MARFANOID-PROGEROID-LIPODYSTROPHY SYNDROME. Identifiers: Orphanet 300382, MedGen C4310796, MONDO:0014831, OMIM 616914.

Allele frequency attached by ClinVar (database versions not stated): TOPMed below 0.00001; gnomAD 0.00001; gnomAD exomes 0.00002 and 0.00004; ExAC 0.00004.
gnomAD v4.1: 23 of 1,614,014 alleles (0.0014%); highest among the groups gnomAD compares: South Asian, 0.018%; 1 homozygote.

Submissions (9):

Labcorp Genetics (formerly Invitae), Labcorp
Classification: Uncertain significance for Marfan syndrome; Familial thoracic aortic aneurysm and aortic dissection. Last evaluated: 2025-12-10. Review status: criteria provided, single submitter. Criteria: Invitae Variant Classification Sherloc (09022015). Collection method: clinical testing. Allele origin: germline.
Comment: This sequence change replaces asparagine, which is neutral and polar, with aspartic acid, which is acidic and polar, at codon 2767 of the FBN1 protein (p.Asn2767Asp). This variant is present in population databases (rs771437236, gnomAD 0.02%). This missense change has been observed in individual(s) with Marfan syndrome (internal data). ClinVar contains an entry for this variant (Variation ID: 549458). Invitae Evidence Modeling of protein sequence and biophysical properties (such as structural, functional, and spatial information, amino acid conservation, physicochemical variation, residue mobility, and thermodynamic stability) indicates that this missense variant is expected to disrupt FBN1 protein function with a positive predictive value of 80%. In summary, the available evidence is currently insufficient to determine the role of this variant in disease. Therefore, it has been classified as a Variant of Uncertain Significance.

All of Us Research Program, National Institutes of Health
Classification: Uncertain significance for Marfan syndrome. Last evaluated: 2024-07-29. Review status: criteria provided, single submitter. Criteria: ACMG Guidelines, 2015. Collection method: clinical testing. Allele origin: germline. Inheritance: Autosomal dominant inheritance. Observed: 7 variant alleles, 7 heterozygotes.
Comment: This missense variant replaces asparagine with aspartic acid at codon 2767 of the FBN1 protein. Computational prediction is inconclusive regarding the impact of this variant on protein structure and function (internally defined REVEL score threshold 0.5 < inconclusive < 0.7, PMID: 27666373). To our knowledge, functional studies have not been reported for this variant. This variant has not been reported in individuals affected with cardiovascular disorders in the literature. This variant has been identified in 10/251334 chromosomes in the general population by the Genome Aggregation Database (gnomAD). The available evidence is insufficient to determine the role of this variant in disease conclusively. Therefore, this variant is classified as a Variant of Uncertain Significance.

This study involves interpretation of variants in research participants for the purpose of population health screening. Participant phenotype was not available at the time of variant classification. Additional details can be found in publication PMID: 35346344, PMCID: PMC8962531

Color Diagnostics, LLC DBA Color Health
Classification: Uncertain significance for Familial thoracic aortic aneurysm and aortic dissection. Last evaluated: 2024-06-05. Review status: criteria provided, single submitter. Criteria: ACMG Guidelines, 2015. Collection method: clinical testing. Allele origin: germline.
Comment: This missense variant replaces asparagine with aspartic acid at codon 2767 of the FBN1 protein. Computational prediction tools indicate that this variant's impact on protein structure and function is inconclusive. To our knowledge, functional studies have not been reported for this variant. This variant has not been reported in individuals affected with FBN1-related disorders in the literature. This variant has been identified in 10/251334 chromosomes in the general population by the Genome Aggregation Database (gnomAD). The available evidence is insufficient to determine the role of this variant in disease conclusively. Therefore, this variant is classified as a Variant of Uncertain Significance.

GeneDx
Classification: Uncertain significance. Last evaluated: 2023-11-30. Review status: criteria provided, single submitter. Criteria: GeneDx Variant Classification Process June 2021. Collection method: clinical testing. Allele origin: germline. Affected: yes.
Comment: Has not been previously published as pathogenic or benign to our knowledge; In silico analysis supports that this missense variant has a deleterious effect on protein structure/function; Does not affect a cysteine residue within a calcium-binding EGF-like domain or a TGF-binding protein domain of the FBN1 gene; cysteine substitutions in the calcium-binding EGF-like domains represent the majority of pathogenic missense changes associated with FBN1-related disorders (PMID: 12938084); This variant is associated with the following publications: (PMID: 12938084)

CHEO Genetics Diagnostic Laboratory, Children's Hospital of Eastern Ontario
Classification: Uncertain significance for Familial thoracic aortic aneurysm and aortic dissection. Last evaluated: 2023-03-29. Review status: criteria provided, single submitter. Criteria: ACMG Guidelines, 2015. Collection method: clinical testing. Allele origin: germline.

CeGaT Center for Human Genetics Tuebingen
Classification: Likely benign. Last evaluated: 2023-03-01. Review status: criteria provided, single submitter. Criteria: CeGaT Center For Human Genetics Tuebingen Variant Classification Criteria Version 2. Collection method: clinical testing. Allele origin: germline. Affected: yes. Observed: 1 variant allele.
Comment: FBN1: PP2, BS1

Ambry Genetics
Classification: Uncertain significance for Familial thoracic aortic aneurysm and aortic dissection. Last evaluated: 2021-09-28. Review status: criteria provided, single submitter. Criteria: Ambry Variant Classification Scheme 2023. Collection method: clinical testing. Allele origin: germline.
Comment: The p.N2767D variant (also known as c.8299A>G), located in coding exon 65 of the FBN1 gene, results from an A to G substitution at nucleotide position 8299. The asparagine at codon 2767 is replaced by aspartic acid, an amino acid with highly similar properties. This amino acid position is highly conserved in available vertebrate species. In addition, the in silico prediction for this alteration is inconclusive. Since supporting evidence is limited at this time, the clinical significance of this alteration remains unclear.

Fulgent Genetics
Classification: Uncertain significance for Acromicric dysplasia; Ectopia lentis 1, isolated, autosomal dominant; Marfan syndrome; Stiff skin syndrome; MASS syndrome; Weill-Marchesani syndrome 2, dominant; Geleophysic dysplasia 2; Progeroid and marfanoid aspect-lipodystrophy syndrome. Last evaluated: 2021-07-14. Review status: criteria provided, single submitter. Criteria: ACMG Guidelines, 2015. Collection method: clinical testing. Allele origin: unknown.

Center for Medical Genetics Ghent, University of Ghent
Classification: Uncertain significance for Marfan syndrome. Last evaluated: 2017-11-07. Review status: no assertion criteria provided. Collection method: clinical testing. Allele origin: germline. Affected: yes. Not counted in ClinVar's aggregate classification.

NM_000138.5(FBN1):c.8299A>G (p.Asn2767Asp)

Gene: FBN1 (fibrillin 1; minus strand). Cytogenetic location: 15q21.1.
Variant type: single nucleotide variant.
Coding change: c.8299A>G on transcript NM_000138.5 (MANE Select); coding-DNA position 8299, A replaced by G.
Protein change: p.Asn2767Asp; replaces asparagine 2767 with aspartic acid.
Molecular consequence: missense variant.
Genome position (GRCh38, 1-based): chr15:48,411,307, T>C on the plus strand (A>G on the coding strand, the complement: FBN1 is on the minus strand). VCF-style: chr15-48411307-T-C. GRCh37 (hg19) VCF-style: chr15-48703504-T-C.
Other names: short protein forms N2767D.
Identifiers: ClinVar variation 549458 (VCV000549458.45), dbSNP rs771437236, ClinGen allele CA059899.
Genomic context (GRCh38, chr15:48,411,307, plus strand): 5'-GAGTTGTAAGAGCTGGAAGGAGTTCTAGGATTCGAACCTTGTTACTGACGTGGGAAATAT[T>C]GAAAGCAAAGATGGCTGTCTTCTCAACATCCCAACTTGCAAGACTCACATTGGCTTCTGT-3'
Protein context (NP_000129.3, residues 2757-2777): DVEKTAIFAF[Asn2767Asp]ISHVSNKVRI